The following is an entry in ClinVar:

NM_005188.4(CBL):c.1516C>G (p.Arg506Gly)

Gene: CBL (Cbl proto-oncogene; plus strand). Cytogenetic location: 11q23.3.
Variant type: single nucleotide variant.
Coding change: c.1516C>G on transcript NM_005188.4 (MANE Select); coding-DNA position 1516, C replaced by G.
Protein change: p.Arg506Gly; replaces arginine 506 with glycine.
Molecular consequence: missense variant.
Genome position (GRCh38, 1-based): chr11:119,285,053, C>G. VCF-style: chr11-119285053-C-G. GRCh37 (hg19) VCF-style: chr11-119155763-C-G.
Other names: short protein forms R506G.
Identifiers: ClinVar variation 280264 (VCV000280264.4), dbSNP rs886041500, ClinGen allele CA10603155.

ClinVar aggregate classification (germline): Uncertain significance. Review status: criteria provided, multiple submitters, no conflicts (2 of 4 stars). 2 submissions from 2 submitters: Uncertain significance (2). Last evaluated 2024-12-31.

Conditions:
RASopathy. Also called: rasopathies; Noonan spectrum disorder. Identifiers: Orphanet 536391, MedGen C5555857, MONDO:0021060.

gnomAD v4.1: 3 of 1,614,164 alleles (0.00019%); highest among the groups gnomAD compares: Non-Finnish European, 0.00017%; no homozygotes.

Submissions (2):

Labcorp Genetics (formerly Invitae), Labcorp
Classification: Uncertain significance for RASopathy. Last evaluated: 2024-12-31. Review status: criteria provided, single submitter. Criteria: Invitae Variant Classification Sherloc (09022015). Collection method: clinical testing. Allele origin: germline.
Comment: This sequence change replaces arginine, which is basic and polar, with glycine, which is neutral and non-polar, at codon 506 of the CBL protein (p.Arg506Gly). This variant is not present in population databases (gnomAD no frequency). This variant has not been reported in the literature in individuals affected with CBL-related conditions. ClinVar contains an entry for this variant (Variation ID: 280264). Invitae Evidence Modeling of protein sequence and biophysical properties (such as structural, functional, and spatial information, amino acid conservation, physicochemical variation, residue mobility, and thermodynamic stability) indicates that this missense variant is not expected to disrupt CBL protein function with a negative predictive value of 95%. In summary, the available evidence is currently insufficient to determine the role of this variant in disease. Therefore, it has been classified as a Variant of Uncertain Significance.

GeneDx
Classification: Uncertain significance. Last evaluated: 2016-01-15. Review status: criteria provided, single submitter. Criteria: GeneDx Variant Classification (06012015). Collection method: clinical testing. Allele origin: germline. Affected: yes.
Comment: To our knowledge, the R506G variant has not been published as a pathogenic variant, nor has it been reported as a benign variant. It was not observed in approximately 6,500 individuals of European and African American ancestry in the NHLBI Exome Sequencing Project, indicating it is not a common benign variant in these populations. The R506G variant is a non-conservative amino acid substitution, which is likely to impact secondary protein structure as these residues differ in polarity, charge, size and/or other properties. This substitution occurs at a position that is conserved across species, however, in silico analysis is inconsistent in its predictions as to whether or not the variant is damaging to the protein structure/function. Therefore, based on the currently available information, it is unclear whether this variant is a pathogenic variant or a rare benign variant.